The following is an entry in ClinVar:

NM_018979.4(WNK1):c.5767G>C (p.Glu1923Gln)

Gene: WNK1 (WNK lysine deficient protein kinase 1; plus strand). Cytogenetic location: 12p13.33.
Variant type: single nucleotide variant.
Coding change: c.5767G>C on transcript NM_018979.4 (MANE Select); coding-DNA position 5767, G replaced by C.
Protein change: p.Glu1923Gln; replaces glutamic acid 1923 with glutamine.
Molecular consequence: missense variant.
Genome position (GRCh38, 1-based): chr12:896,254, G>C. VCF-style: chr12-896254-G-C. GRCh37 (hg19) VCF-style: chr12-1005420-G-C.
Other names: c.6547G>C, p.Glu2183Gln (NM_001184985.2); c.5023G>C, p.Glu1675Gln (NM_014823.3); c.6523G>C, p.Glu2175Gln (NM_213655.5); short protein forms E1675Q, E2175Q, E1923Q, E2183Q.
Identifiers: ClinVar variation 2160270 (VCV002160270.4), dbSNP rs1224718687, ClinGen allele CA383335112.

ClinVar aggregate classification (germline): Uncertain significance (1 of 4 stars; one submission).

Conditions:
Neuropathy, hereditary sensory and autonomic, type 2A (HSAN2A). Also called: ACROOSTEOLYSIS, GIACCAI TYPE; ACROOSTEOLYSIS, NEUROGENIC; MORVAN DISEASE; NEUROPATHY, CONGENITAL SENSORY; NEUROPATHY, HEREDITARY SENSORY RADICULAR, AUTOSOMAL RECESSIVE; NEUROPATHY, HEREDITARY SENSORY, TYPE IIA. Identifiers: Orphanet 970, MedGen C2752089, MONDO:0024309, OMIM 201300.
Pseudohypoaldosteronism type 2C (PHA2C). Also called: Pseudohypoaldosteronism Type IIC. Identifiers: Orphanet 757, Orphanet 88940, MedGen C1840391, MONDO:0013778, OMIM 614492.

Allele frequency attached by ClinVar (database versions not stated): gnomAD exomes 0.00001; TOPMed 0.00002; gnomAD 0.00003.

Submission:

Labcorp Genetics (formerly Invitae), Labcorp
Classification: Uncertain significance for Neuropathy, hereditary sensory and autonomic, type 2A; Pseudohypoaldosteronism type 2C. Last evaluated: 2023-08-17. Review status: criteria provided, single submitter. Criteria: Invitae Variant Classification Sherloc (09022015). Collection method: clinical testing. Allele origin: germline.
Comment: This sequence change replaces glutamic acid, which is acidic and polar, with glutamine, which is neutral and polar, at codon 2175 of the WNK1 protein (p.Glu2175Gln). This variant is present in population databases (no rsID available, gnomAD 0.006%). This variant has not been reported in the literature in individuals affected with WNK1-related conditions. ClinVar contains an entry for this variant (Variation ID: 2160270). Advanced modeling of protein sequence and biophysical properties (such as structural, functional, and spatial information, amino acid conservation, physicochemical variation, residue mobility, and thermodynamic stability) performed at Invitae indicates that this missense variant is not expected to disrupt WNK1 protein function. In summary, the available evidence is currently insufficient to determine the role of this variant in disease. Therefore, it has been classified as a Variant of Uncertain Significance.